The following is an entry in ClinVar:

ClinVar aggregate classification (germline): Uncertain significance (1 of 4 stars; one submission).

Submission:

Labcorp Genetics (formerly Invitae), Labcorp
Classification: Uncertain significance. Last evaluated: 2022-02-27. Review status: criteria provided, single submitter. Criteria: Invitae Variant Classification Sherloc (09022015). Collection method: clinical testing. Allele origin: germline.
Comment: This sequence change replaces proline, which is neutral and non-polar, with serine, which is neutral and polar, at codon 987 of the CACNA1B protein (p.Pro987Ser). This variant is not present in population databases (gnomAD no frequency). This variant has not been reported in the literature in individuals affected with CACNA1B-related conditions. Advanced modeling of protein sequence and biophysical properties (such as structural, functional, and spatial information, amino acid conservation, physicochemical variation, residue mobility, and thermodynamic stability) performed at Invitae indicates that this missense variant is not expected to disrupt CACNA1B protein function. In summary, the available evidence is currently insufficient to determine the role of this variant in disease. Therefore, it has been classified as a Variant of Uncertain Significance.

NM_000718.4(CACNA1B):c.2959C>T (p.Pro987Ser)

Gene: CACNA1B (calcium voltage-gated channel subunit alpha1 B; plus strand). Cytogenetic location: 9q34.3.
Variant type: single nucleotide variant.
Coding change: c.2959C>T on transcript NM_000718.4 (MANE Select); coding-DNA position 2959, C replaced by T.
Protein change: p.Pro987Ser; replaces proline 987 with serine.
Molecular consequence: missense variant.
Genome position (GRCh38, 1-based): chr9:138,023,702, C>T. VCF-style: chr9-138023702-C-T. GRCh37 (hg19) VCF-style: chr9-140918154-C-T.
Other names: c.2959C>T, p.Pro987Ser (NM_001243812.2); short protein forms P987S.
Identifiers: ClinVar variation 2104117 (VCV002104117.1), dbSNP rs772589388, ClinGen allele CA375810492.